The following is an entry in ClinVar:

NM_004960.4(FUS):c.1552A>G (p.Arg518Gly)

Gene: FUS (FUS RNA binding protein; plus strand). Cytogenetic location: 16p11.2.
Variant type: single nucleotide variant.
Coding change: c.1552A>G on transcript NM_004960.4 (MANE Select); coding-DNA position 1552, A replaced by G.
Protein change: p.Arg518Gly; replaces arginine 518 with glycine.
Molecular consequence: missense variant. On other transcripts: non-coding transcript variant (1).
Genome position (GRCh38, 1-based): chr16:31,191,409, A>G. VCF-style: chr16-31191409-A-G. GRCh37 (hg19) VCF-style: chr16-31202730-A-G.
Other names: c.1549A>G, p.Arg517Gly (NM_001170634.1); c.1540A>G, p.Arg514Gly (NM_001170937.1); short protein forms R514G, R517G, R518G.
Identifiers: ClinVar variation 1001437 (VCV001001437.9), dbSNP rs1409962577, ClinGen allele CA395677361.
Genomic context (GRCh38, chr16:31,191,409, plus strand): 5'-CTGGTAACTCAAATATAATGGATACTTAATTTTTTTTTTTTTTTTTGCAGGGGTGAGCAC[A>G]GACAGGATCGCAGGGAGAGGCCGTATTAATTAGCCTGGCTCCCCAGGTTCTGGAACAGCT-3'
Protein context (NP_004951.1, residues 508-526): PGKMDSRGEH[Arg518Gly]QDRRERPY

ClinVar aggregate classification (germline): Uncertain significance (1 of 4 stars; one submission).

Conditions:
Amyotrophic lateral sclerosis type 6. Also called: FUS-Related Amyotrophic Laterial Sclerosis; AMYOTROPHIC LATERAL SCLEROSIS 6 WITHOUT FRONTOTEMPORAL DEMENTIA; Amyotrophic lateral sclerosis 6, with or without frontotemporal dementia. Identifiers: Orphanet 275872, Orphanet 803, MedGen C2931786, MONDO:0011951, OMIM 608030.
Tremor, hereditary essential, 4 (ETM4). Identifiers: MedGen C3539195, MONDO:0013888, OMIM 614782.

Allele frequency attached by ClinVar (database versions not stated): gnomAD exomes below 0.00001.

Submission:

Labcorp Genetics (formerly Invitae), Labcorp
Classification: Uncertain significance for Tremor, hereditary essential, 4; Amyotrophic lateral sclerosis type 6. Last evaluated: 2020-10-21. Review status: criteria provided, single submitter. Criteria: Invitae Variant Classification Sherloc (09022015). Collection method: clinical testing. Allele origin: germline.
Comment: In summary, the available evidence is currently insufficient to determine the role of this variant in disease. Therefore, it has been classified as a Variant of Uncertain Significance. This variant disrupts the p.Arg518 amino acid residue in FUS. Other variant(s) that disrupt this residue have been determined to be pathogenic (PMID: 19251627, 23257289). This suggests that this residue is clinically significant, and that variants that disrupt this residue are likely to be disease-causing. Experimental studies have shown that this variant affects FUS protein function (PMID: 23056579). This variant has been observed in individual(s) with clinical features of amyotrophic lateral sclerosis (PMID: 20138404, Invitae). This variant is not present in population databases (ExAC no frequency). This sequence change replaces arginine with glycine at codon 518 of the FUS protein (p.Arg518Gly). The arginine residue is highly conserved and there is a moderate physicochemical difference between arginine and glycine.

Literature cited by the submitters: PubMed 19251627; PubMed 23257289; PubMed 23056579; PubMed 20138404.